The following is an entry in ClinVar:

NM_000059.4(BRCA2):c.8247_8248del (p.Lys2750fs)

Gene: BRCA2 (BRCA2 DNA repair associated; plus strand). Cytogenetic location: 13q13.1.
Variant type: Deletion.
Coding change: c.8247_8248del on transcript NM_000059.4 (MANE Select); coding-DNA positions 8247 to 8248, 2 bases deleted (GA; older notation c.8247_8248delGA).
Protein change: p.Lys2750fs; shifts the reading frame from lysine 2750.
Molecular consequence: frameshift variant.
Genome position (GRCh38, 1-based): chr13:32,363,449-32,363,450, GA deleted; deleting any 2 consecutive bases within chr13:32,363,448-32,363,450 gives the same sequence; the c. name uses the placement nearest the transcript's 3' end. VCF-style (leftmost placement, unchanged base first): chr13-32363447-CAG-C. GRCh37 (hg19) VCF-style: chr13-32937584-CAG-C.
Other names: 8474delAG; 8475_8476delGA; 8475delGA; c.8247_8248delGA (NM_000059.3).
Identifiers: ClinVar variation 52536 (VCV000052536.62), dbSNP rs80359701, ClinGen allele CA025536.
Genomic context (GRCh38, chr13:32,363,447, plus strand): 5'-AAGGCCCAGTTAGATCCTCCCCTCTTAGCTGTCTTAAAGAATGGCAGACTGACAGTTGGT[CAG>C]AAGATTATTCTTCATGGAGCAGAACTGGTGGGCTCTCCTGATGCCTGTACACCTCTTGAA-3'

ClinVar aggregate classification (germline): Pathogenic. Review status: reviewed by expert panel (3 of 4 stars). 18 submissions from 18 submitters: Pathogenic (1). 17 of the submissions do not count toward it. Last evaluated 2016-04-22.

Conditions:
BRCA2-related cancer predisposition. Identifiers: MedGen CN377758, MONDO:0700269.
Diffuse midline glioma, H3 K27-altered. Identifiers: MedGen C5669877, MONDO:1060171.
Hereditary cancer-predisposing syndrome. Also called: Hereditary Cancer Syndrome; Tumor predisposition; Neoplastic Syndromes, Hereditary; Hereditary neoplastic syndrome. Identifiers: Orphanet 140162, MedGen C0027672, MeSH D009386, MONDO:0015356.
Hereditary breast ovarian cancer syndrome. Also called: Breast and ovarian cancer; Hereditary breast and ovarian cancer syndrome; BRCA1- and BRCA2-Associated Hereditary Breast and Ovarian Cancer; Hereditary breast and ovarian cancer; Hereditary breast and ovarian cancer syndrome (HBOC); Hereditary breast and/or ovarian cancer syndrome. Identifiers: Orphanet 145, MedGen C0677776, MeSH D061325, MONDO:0003582. Disease mechanism: loss of function.
Familial cancer of breast. Also called: hereditary breast carcinoma; BREAST CANCER, FAMILIAL; Hereditary breast cancer. Identifiers: Orphanet 227535, MedGen C0346153, MONDO:0016419, OMIM 114480. Disease mechanism: loss of function.
Breast-ovarian cancer, familial, susceptibility to, 2 (BROVCA2). Also called: BRCA2 Hereditary Breast and Ovarian Cancer. Identifiers: Orphanet 145, MedGen C2675520, MONDO:0012933, OMIM 612555. Disease mechanism: loss of function.
Breast and/or ovarian cancer. Identifiers: MedGen CN221562.

Submissions 1 to 10 of 18:

Evidence-based Network for the Interpretation of Germline Mutant Alleles (ENIGMA)
Classification: Pathogenic for Breast-ovarian cancer, familial, susceptibility to, 2. Last evaluated: 2016-04-22. Review status: reviewed by expert panel. Criteria: ENIGMA BRCA1/2 Classification Criteria (2015). Collection method: curation. Allele origin: germline.
Comment: Variant allele predicted to encode a truncated non-functional protein.

Labcorp Genetics (formerly Invitae), Labcorp
Classification: Pathogenic for Hereditary breast ovarian cancer syndrome. Last evaluated: 2025-07-03. Review status: criteria provided, single submitter. Criteria: Invitae Variant Classification Sherloc (09022015). Collection method: clinical testing. Allele origin: germline. Not counted in ClinVar's aggregate classification.
Comment: This sequence change creates a premature translational stop signal (p.Lys2750Aspfs*13) in the BRCA2 gene. It is expected to result in an absent or disrupted protein product. Loss-of-function variants in BRCA2 are known to be pathogenic (PMID: 20104584). This variant is not present in population databases (gnomAD no frequency). This premature translational stop signal has been observed in individual(s) with a personal and/or family history of breast/ovarian cancer (PMID: 15340362, 22762150). This variant is also known as 8475delGA. ClinVar contains an entry for this variant (Variation ID: 52536). Algorithms developed to predict the effect of sequence changes on RNA splicing suggest that this variant may disrupt the consensus splice site. For these reasons, this variant has been classified as Pathogenic.

Quest Diagnostics Nichols Institute San Juan Capistrano
Classification: Pathogenic. Last evaluated: 2025-06-03. Review status: criteria provided, single submitter. Criteria: Quest Diagnostics criteria. Collection method: clinical testing. Allele origin: unknown. Not counted in ClinVar's aggregate classification.
Comment: The BRCA2 c.8247_8248del (p.Lys2750Aspfs*13) variant alters the translational reading frame of the BRCA2 mRNA and causes the premature termination of BRCA2 protein synthesis. This variant has been reported in the published literature in individuals with prostate cancer (PMID: 33710808 (2021)), breast/ovarian cancer (PMID: 22762150 (2012), 15340362 (2004), 34072659 (2021), 36329109 (2022)), including male individuals with breast cancer (PMID: 31512090 (2019)). This variant has not been reported in large, multi-ethnic general populations (Genome Aggregation Database). Based on the available information, this variant is classified as pathogenic.

Color Diagnostics, LLC DBA Color Health
Classification: Pathogenic for Hereditary cancer-predisposing syndrome. Last evaluated: 2025-05-20. Review status: criteria provided, single submitter. Criteria: ACMG Guidelines, 2015. Collection method: clinical testing. Allele origin: germline. Not counted in ClinVar's aggregate classification.
Comment: This variant deletes 2 nucleotides in exon 18 of the BRCA2 gene, creating a frameshift and premature translation stop signal. This variant is expected to result in an absent or non-functional protein product. This variant has not been identified in the general population by the Genome Aggregation Database (gnomAD). Loss of BRCA2 function is a known mechanism of disease. Based on the available evidence, this variant is classified as Pathogenic.

Ambry Genetics
Classification: Pathogenic for Hereditary cancer-predisposing syndrome. Last evaluated: 2025-04-02. Review status: criteria provided, single submitter. Criteria: Ambry Variant Classification Scheme 2023. Collection method: clinical testing. Allele origin: germline. Not counted in ClinVar's aggregate classification.
Comment: The c.8247_8248delGA pathogenic mutation, located in coding exon 17 of the BRCA2 gene, results from a deletion of two nucleotides at nucleotide positions 8247 to 8248, causing a translational frameshift with a predicted alternate stop codon (p.K2750Dfs*13). This alteration has been identified in multiple high-risk breast/ovarian cancer families (Marroni, F et al. Eur J Hum Genet. 2004 Nov;12(11):899-906; Musolino, A et al. Breast. 2007 Jun;16(3):280-92; Maxwell KN et al. Am. J. Hum. Genet. 2016 May;98:801-817). This variant has also been report in 2/81 male breast cancer patients who had multi-gene panel testing (Scarpitta R et al. Breast Cancer Res Treat, 2019 Dec;178:557-564). Of note, this mutation is also designated as 8475delGA. This variant is considered to be rare based on population cohorts in the Genome Aggregation Database (gnomAD). In addition to the clinical data presented in the literature, this alteration is expected to result in loss of function by premature protein truncation or nonsense-mediated mRNA decay. As such, this alteration is interpreted as a disease-causing mutation.

ARUP Laboratories, Molecular Genetics and Genomics, ARUP Laboratories
Classification: Pathogenic. Last evaluated: 2024-01-19. Review status: criteria provided, single submitter. Criteria: ARUP Molecular Germline Variant Investigation Process 2024. Collection method: clinical testing. Allele origin: germline. Not counted in ClinVar's aggregate classification.
Comment: The BRCA2 c.8247_8248del; p.Lys2750AspfsTer13 variant (rs80359701) is reported in the literature in individuals with hereditary breast and ovarian cancer syndrome (Marroni 2004, Rizzolo 2019, Toss 2019), and is also reported in ClinVar (Variation ID: 52536). This variant is absent from the Genome Aggregation Database (v2.1.1), indicating it is not a common polymorphism. This variant causes a frameshift by deleting two nucleotides, so it is predicted to result in a truncated protein or mRNA subject to nonsense-mediated decay. Based on available information, this variant is considered to be pathogenic. References: Marroni F et al. Penetrances of breast and ovarian cancer in a large series of families tested for BRCA1/2 mutations. Eur J Hum Genet. 2004 Nov;12(11):899-906. PMID: 15340362. Rizzolo P et al. Insight into genetic susceptibility to male breast cancer by multigene panel testing: Results from a multicenter study in Italy. Int J Cancer. 2019 Jul 15;145(2):390-400. PMID: 30613976. Toss A et al. Hereditary Pancreatic Cancer: A Retrospective Single-Center Study of 5143 Italian Families with History of BRCA-Related Malignancies. Cancers (Basel). 2019 Feb 7;11(2):193. PMID: 30736435.

Baylor Genetics
Classification: Pathogenic for Familial cancer of breast. Last evaluated: 2023-10-22. Review status: criteria provided, single submitter. Criteria: ACMG Guidelines, 2015. Collection method: clinical testing. Allele origin: unknown. Not counted in ClinVar's aggregate classification.

Department of Pathology and Laboratory Medicine, Sinai Health System
Classification: Pathogenic for BRCA2-related cancer predisposition. Last evaluated: 2022-10-25. Review status: criteria provided, single submitter. Criteria: ACMG Guidelines, 2015. Collection method: clinical testing. Allele origin: germline. Affected: no. Not counted in ClinVar's aggregate classification.

CHEO Genetics Diagnostic Laboratory, Children's Hospital of Eastern Ontario
Classification: Pathogenic for Breast and/or ovarian cancer. Last evaluated: 2022-05-09. Review status: criteria provided, single submitter. Criteria: ACMG Guidelines, 2015. Collection method: clinical testing. Allele origin: germline. Not counted in ClinVar's aggregate classification.

Women's Health and Genetics/Laboratory Corporation of America, LabCorp
Classification: Pathogenic for Hereditary breast ovarian cancer syndrome. Last evaluated: 2022-04-24. Review status: criteria provided, single submitter. Criteria: LabCorp Variant Classification Summary - May 2015. Collection method: clinical testing. Allele origin: germline. Not counted in ClinVar's aggregate classification.
Comment: Variant summary: BRCA2 c.8247_8248delGA (p.Lys2750AspfsX13) results in a premature termination codon, predicted to cause a truncation of the encoded protein or absence of the protein due to nonsense mediated decay, which are commonly known mechanisms for disease. Truncations downstream of this position have been classified as pathogenic by our laboratory. The variant was absent in 249060 control chromosomes. c.8247_8248delGA has been reported in the literature in multiple individuals affected with Hereditary Breast And Ovarian Cancer Syndrome (example, Rebbeck_2018). These data indicate that the variant is very likely to be associated with disease. Five clinical diagnostic laboratories, an expert panel (ENIGMA) and a consortium (CIMBA) have submitted clinical-significance assessments for this variant to ClinVar after 2014. All submitters classified the variant as pathogenic. Based on the evidence outlined above, the variant was classified as pathogenic.